The following is an entry in ClinVar:

ClinVar aggregate classification (germline): Benign/Likely benign. Review status: criteria provided, multiple submitters, no conflicts (2 of 4 stars). 19 submissions from 13 submitters: Benign (10); Likely benign (7). 2 of the submissions do not count toward it. Last evaluated 2026-09-01.

Conditions:
Age related macular degeneration 4. Identifiers: MedGen C1853147, MONDO:0012540, OMIM 610698.
Factor H deficiency (CFHD). Also called: COMPLEMENT FACTOR H DEFICIENCY; CFH DEFICIENCY. Identifiers: Orphanet 200421, MedGen C0398777, MONDO:0012350, OMIM 609814.
CFH-Related Dense Deposit Disease / Membranoproliferative Glomerulonephritis Type II. Identifiers: MedGen CN071292.
Hemolytic uremic syndrome, atypical, susceptibility to, 1. Also called: AHUS, SUSCEPTIBILITY TO, 1. Identifiers: Orphanet 2134, Orphanet 90038, MedGen C2749604, MONDO:0009335, OMIM 235400. Disease mechanism: Other.
Atypical hemolytic-uremic syndrome. Identifiers: Orphanet 2134, MedGen C2931788, MONDO:0016244.
Basal laminar drusen. Also called: DRUSEN OF BRUCH MEMBRANE; DRUSEN, CUTICULAR; DRUSEN, EARLY ADULT-ONSET, GROUPED. Identifiers: Orphanet 75376, MedGen C0730295, MONDO:0007472, OMIM 126700.

Allele frequency attached by ClinVar (database versions not stated): 1000 Genomes Project 30x 0.00625; 1000 Genomes Project 0.00639; ESP Exome Variant Server 0.00738; TOPMed 0.00800; gnomAD 0.00829 and 0.00871; gnomAD exomes 0.01037; ExAC 0.01155.
gnomAD v4.1: 15,718 of 1,612,918 alleles (0.97%); highest among the groups gnomAD compares: South Asian, 2.9%; 126 homozygotes.

Submissions (19):

CeGaT Center for Human Genetics Tuebingen
Classification: Benign. Last evaluated: 2026-09-01. Review status: criteria provided, single submitter. Criteria: CeGaT Center For Human Genetics Tuebingen Variant Classification Criteria Version 2. Collection method: clinical testing. Allele origin: germline. Affected: yes. Observed: 23 variant alleles.
Comment: CFH: BP4, BS1, BS2

Labcorp Genetics (formerly Invitae), Labcorp
Classification: Benign. Last evaluated: 2026-02-02. Review status: criteria provided, single submitter. Criteria: Invitae Variant Classification Sherloc (09022015). Collection method: clinical testing. Allele origin: germline.

Women's Health and Genetics/Laboratory Corporation of America, LabCorp
Classification: Benign. Last evaluated: 2026-01-22. Review status: criteria provided, single submitter. Criteria: LabCorp Variant Classification Summary - May 2015. Collection method: clinical testing. Allele origin: germline.

Genomenon, Inc
Classification: Benign for Basal laminar drusen; Age related macular degeneration 4; Atypical hemolytic-uremic syndrome; Factor H deficiency. Last evaluated: 2025-10-02. Review status: criteria provided, single submitter. Criteria: Genomenon Sequence Variant Interpretation Standards - Updated. Collection method: curation. Allele origin: germline. Affected: no.
Comment: CFH p.His878= (c.2634C>T) is a synonymous variant that retains Histidine at residue 878. This variant has been reported in the published literature (PMID:33609329;31820418;12960213;29854987). This variant is present at high allele frequency in population databases. In conclusion, we classify CFH p.His878= (c.2634C>T) as a benign variant.

Blueprint Genetics
Classification: Likely benign. Last evaluated: 2024-11-26. Review status: criteria provided, single submitter. Criteria: ACMG Guidelines, 2015. Collection method: clinical testing. Allele origin: germline.

Mayo Clinic Laboratories, Mayo Clinic
Classification: Benign. Last evaluated: 2023-12-29. Review status: criteria provided, single submitter. Criteria: ACMG Guidelines, 2015. Collection method: clinical testing. Allele origin: germline. Observed: 53 variant alleles.
Comment: BS1, BS2, BP4, BP7

Genome-Nilou Lab
Classification: Likely benign for Hemolytic uremic syndrome, atypical, susceptibility to, 1. Last evaluated: 2023-04-11. Review status: criteria provided, single submitter. Criteria: ACMG Guidelines, 2015. Collection method: clinical testing. Allele origin: germline. Affected: no.

Genome-Nilou Lab
Classification: Likely benign for Age related macular degeneration 4. Last evaluated: 2023-04-11. Review status: criteria provided, single submitter. Criteria: ACMG Guidelines, 2015. Collection method: clinical testing. Allele origin: germline. Affected: no.

Genome-Nilou Lab
Classification: Likely benign for Basal laminar drusen. Last evaluated: 2023-04-11. Review status: criteria provided, single submitter. Criteria: ACMG Guidelines, 2015. Collection method: clinical testing. Allele origin: germline. Affected: no.

Genome-Nilou Lab
Classification: Likely benign for Factor H deficiency. Last evaluated: 2023-04-11. Review status: criteria provided, single submitter. Criteria: ACMG Guidelines, 2015. Collection method: clinical testing. Allele origin: germline. Affected: no.

Genome Diagnostics Laboratory, The Hospital for Sick Children
Classification: Benign for Atypical hemolytic-uremic syndrome. Last evaluated: 2021-09-14. Review status: criteria provided, single submitter. Criteria: ACMG Guidelines, 2015. Collection method: clinical testing. Allele origin: germline.

Illumina Laboratory Services, Illumina
Classification: Benign for Membranoproliferative glomerulonephritis with complement factor h deficiency. Last evaluated: 2018-01-12. Review status: criteria provided, single submitter. Criteria: ICSL Variant Classification Criteria 13 December 2019. Collection method: clinical testing. Allele origin: germline.
Comment: This variant was observed in the ICSL laboratory as part of a predisposition screen in an ostensibly healthy population. It had not been previously curated by ICSL or reported in the Human Gene Mutation Database (HGMD: prior to June 1st, 2018), and was therefore a candidate for classification through an automated scoring system. Utilizing variant allele frequency, disease prevalence and penetrance estimates, and inheritance mode, an automated score was calculated to assess if this variant is too frequent to cause the disease. Based on the score and internal cut-off values, a variant classified as benign is not then subjected to further curation. The score for this variant resulted in a classification of benign for this disease.

Illumina Laboratory Services, Illumina
Classification: Likely benign for Basal laminar drusen. Last evaluated: 2018-01-12. Review status: criteria provided, single submitter. Criteria: ICSL Variant Classification Criteria 13 December 2019. Collection method: clinical testing. Allele origin: germline.
Comment: This variant was observed in the ICSL laboratory as part of a predisposition screen in an ostensibly healthy population. It had not been previously curated by ICSL or reported in the Human Gene Mutation Database (HGMD: prior to June 1st, 2018), and was therefore a candidate for classification through an automated scoring system. Utilizing variant allele frequency, disease prevalence and penetrance estimates, and inheritance mode, an automated score was calculated to assess if this variant is too frequent to cause the disease. Based on the score and internal cut-off values, a variant classified as likely benign is not then subjected to further curation. The score for this variant resulted in a classification of likely benign for this disease.

Illumina Laboratory Services, Illumina
Classification: Benign for Hemolytic uremic syndrome, atypical, susceptibility to, 1. Last evaluated: 2018-01-12. Review status: criteria provided, single submitter. Criteria: ICSL Variant Classification Criteria 13 December 2019. Collection method: clinical testing. Allele origin: germline.
Comment: the same text as in the submission from Illumina Laboratory Services, Illumina above.

Illumina Laboratory Services, Illumina
Classification: Benign for Age related macular degeneration 4. Last evaluated: 2018-01-12. Review status: criteria provided, single submitter. Criteria: ICSL Variant Classification Criteria 13 December 2019. Collection method: clinical testing. Allele origin: germline.
Comment: the same text as in the submission from Illumina Laboratory Services, Illumina above.

Eurofins Ntd Llc (ga)
Classification: Benign. Last evaluated: 2017-07-10. Review status: criteria provided, single submitter. Criteria: EGL Classification Definitions 2015. Collection method: clinical testing. Allele origin: germline. Observed: 2 variant alleles, 2 heterozygotes.

Breakthrough Genomics
Classification: Likely benign. Review status: criteria provided, single submitter. Criteria: ACMG Guidelines, 2015. Collection method: not provided. Allele origin: germline. Inheritance: Autosomal recessive inheritance. Affected: yes.

Genome Diagnostics Laboratory, University Medical Center Utrecht
Classification: Benign. Review status: no assertion criteria provided. Collection method: clinical testing. Allele origin: germline. Affected: yes. Study: VKGL Data-share Consensus. Not counted in ClinVar's aggregate classification.

Joint Genome Diagnostic Labs from Nijmegen and Maastricht, Radboudumc and MUMC+
Classification: Benign. Review status: no assertion criteria provided. Collection method: clinical testing. Allele origin: germline. Affected: yes. Study: VKGL Data-share Consensus. Not counted in ClinVar's aggregate classification.

Literature cited by the submitters: PubMed 33609329 (cited by Genomenon, Inc); PubMed 31820418 (cited by Genomenon, Inc); PubMed 12960213 (cited by Genomenon, Inc); PubMed 29854987 (cited by Genomenon, Inc).

NM_000186.4(CFH):c.2634C>T (p.His878=)

Gene: CFH (complement factor H; plus strand). Cytogenetic location: 1q31.3.
Variant type: single nucleotide variant.
Coding change: c.2634C>T on transcript NM_000186.4 (MANE Select); coding-DNA position 2634, C replaced by T.
Protein change: p.His878=; no amino-acid change (histidine 878 retained).
Molecular consequence: synonymous variant.
Genome position (GRCh38, 1-based): chr1:196,737,512, C>T. VCF-style: chr1-196737512-C-T. GRCh37 (hg19) VCF-style: chr1-196706642-C-T.
Other names: p.His878=.
Identifiers: ClinVar variation 294504 (VCV000294504.57), dbSNP rs35292876, ClinGen allele CA1305703.